The following is an entry in ClinVar:

NM_003995.4(NPR2):c.2833C>T (p.Arg945Cys)

Genes: NPR2 (natriuretic peptide receptor 2; plus strand), SPAG8 (sperm associated antigen 8; minus strand). Cytogenetic location: 9p13.3.
Variant type: single nucleotide variant.
Coding change: c.2833C>T on transcript NM_003995.4 (MANE Select); coding-DNA position 2833, C replaced by T.
Protein change: p.Arg945Cys; replaces arginine 945 with cysteine.
Molecular consequence: missense variant. On other transcripts: intron variant (2).
Genome position (GRCh38, 1-based): chr9:35,808,629, C>T. VCF-style: chr9-35808629-C-T. GRCh37 (hg19) VCF-style: chr9-35808626-C-T.
Other names: c.2842C>T, p.Arg948Cys (NM_001378923.1); c.1201-323G>A (NM_001366760.2); c.1373-323G>A (NM_172312.2); short protein forms R945C, R948C.
Identifiers: ClinVar variation 366793 (VCV000366793.15), dbSNP rs781398693, ClinGen allele CA5052134.
Genomic context (GRCh38, chr9:35,808,629, plus strand): 5'-CGCCATGCACCAGAAATTGCTCGTATGGCCCTAGCATTACTAGATGCAGTTTCTTCCTTT[C>T]GCATCCGCCACCGACCCCATGACCAGCTGAGGCTACGCATAGGGGTCCATACTGGTAAGG-3'
Protein context (NP_003986.2, residues 935-955): LALLDAVSSF[Arg945Cys]IRHRPHDQLR

ClinVar aggregate classification (germline): Uncertain significance. Review status: criteria provided, multiple submitters, no conflicts (2 of 4 stars). 4 submissions from 4 submitters: Uncertain significance (3). 1 of the submissions does not count toward it. Last evaluated 2025-01-03.

Conditions:
Tall stature-scoliosis-macrodactyly of the great toes syndrome. Also called: Epiphyseal chondrodysplasia, miura type. Identifiers: Orphanet 329191, MedGen C4014690, MONDO:0014401, OMIM 615923.
Acromesomelic dysplasia 1, Maroteaux type (AMD1). Also called: ACROMESOMELIC DYSPLASIA 1; ST. HELENA DYSPLASIA. Identifiers: Orphanet 40, MedGen C1864356, MONDO:0011275, OMIM 602875.
NPR2-related disorder. Also called: NPR2-related disorders; NPR2-related condition.

Allele frequency attached by ClinVar (database versions not stated): gnomAD exomes 0.00003; gnomAD 0.00001; TOPMed 0.00002; ExAC 0.00004.
gnomAD v4.1: 44 of 1,614,036 alleles (0.0027%); highest among the groups gnomAD compares: Admixed American, 0.0083%; no homozygotes.

Submissions (4):

Women's Health and Genetics/Laboratory Corporation of America, LabCorp
Classification: Uncertain significance. Last evaluated: 2025-01-03. Review status: criteria provided, single submitter. Criteria: LabCorp Variant Classification Summary - May 2015. Collection method: clinical testing. Allele origin: germline.
Comment: Variant summary: NPR2 c.2833C>T (p.Arg945Cys) results in a non-conservative amino acid change located in the Adenylyl- / guanylyl cyclase, catalytic domain (IPR001054) of the encoded protein sequence. Five of five in-silico tools predict a damaging effect of the variant on protein function. The variant allele was found at a frequency of 3.2e-05 in 251468 control chromosomes. The available data on variant occurrences in the general population are insufficient to allow any conclusion about variant significance. To our knowledge, no occurrence of c.2833C>T in individuals affected with NPR2-Related Disorders and no experimental evidence demonstrating its impact on protein function have been reported. ClinVar contains an entry for this variant (Variation ID: 366793). Based on the evidence outlined above, the variant was classified as uncertain significance.

Labcorp Genetics (formerly Invitae), Labcorp
Classification: Uncertain significance for Tall stature-scoliosis-macrodactyly of the great toes syndrome; Acromesomelic dysplasia 1, Maroteaux type. Last evaluated: 2022-11-15. Review status: criteria provided, single submitter. Criteria: Invitae Variant Classification Sherloc (09022015). Collection method: clinical testing. Allele origin: germline.
Comment: In summary, the available evidence is currently insufficient to determine the role of this variant in disease. Therefore, it has been classified as a Variant of Uncertain Significance. Advanced modeling of protein sequence and biophysical properties (such as structural, functional, and spatial information, amino acid conservation, physicochemical variation, residue mobility, and thermodynamic stability) performed at Invitae indicates that this missense variant is not expected to disrupt NPR2 protein function. ClinVar contains an entry for this variant (Variation ID: 366793). This variant has not been reported in the literature in individuals affected with NPR2-related conditions. This variant is present in population databases (rs781398693, gnomAD 0.01%). This sequence change replaces arginine, which is basic and polar, with cysteine, which is neutral and slightly polar, at codon 945 of the NPR2 protein (p.Arg945Cys).

Illumina Laboratory Services, Illumina
Classification: Uncertain significance for Acromesomelic dysplasia 1, Maroteaux type. Last evaluated: 2018-01-13. Review status: criteria provided, single submitter. Criteria: ICSL Variant Classification Criteria 13 December 2019. Collection method: clinical testing. Allele origin: germline.

PreventionGenetics, part of Exact Sciences
Classification: Uncertain significance for NPR2-related condition. Last evaluated: 2024-08-04. Review status: no assertion criteria provided. Collection method: clinical testing. Allele origin: germline. Not counted in ClinVar's aggregate classification.
Comment: The NPR2 c.2833C>T variant is predicted to result in the amino acid substitution p.Arg945Cys. To our knowledge, this variant has not been reported in the literature. This variant is reported in 0.014% of alleles in individuals of Latino descent in gnomAD. At this time, the clinical significance of this variant is uncertain due to the absence of conclusive functional and genetic evidence.